The following is an entry in ClinVar:

NM_000038.6(APC):c.5011G>C (p.Ala1671Pro)

Gene: APC (APC regulator of Wnt signaling pathway; plus strand). Cytogenetic location: 5q22.2.
Variant type: single nucleotide variant.
Coding change: c.5011G>C on transcript NM_000038.6 (MANE Select); coding-DNA position 5011, G replaced by C.
Protein change: p.Ala1671Pro; replaces alanine 1671 with proline.
Molecular consequence: missense variant.
Genome position (GRCh38, 1-based): chr5:112,840,605, G>C. VCF-style: chr5-112840605-G-C. GRCh37 (hg19) VCF-style: chr5-112176302-G-C.
Other names: c.5011G>C, p.Ala1671Pro (NM_001127510.3, NM_001354895.2); c.4957G>C, p.Ala1653Pro (NM_001127511.3); c.5065G>C, p.Ala1689Pro (NM_001354896.2); c.5041G>C, p.Ala1681Pro (NM_001354897.2); c.4936G>C, p.Ala1646Pro (NM_001354898.2); c.4927G>C, p.Ala1643Pro (NM_001354899.2); c.4888G>C, p.Ala1630Pro (NM_001354900.2); c.4834G>C, p.Ala1612Pro (NM_001354901.2); and 5 more; short protein forms A1653P, A1671P, A1388P, A1580P, A1612P, A1545P, A1681P, A1689P.
Identifiers: ClinVar variation 141244 (VCV000141244.3), dbSNP rs587781600, ClinGen allele CA009825.
Genomic context (GRCh38, chr5:112,840,605, plus strand): 5'-TTTTCCACAGCTACATCTCTAAGTGATCTAACAATCGAATCCCCTCCAAATGAGTTAGCT[G>C]CTGGAGAAGGAGTTAGAGGAGGGGCACAGTCAGGTGAATTTGAAAAACGAGATACCATTC-3'
Protein context (NP_000029.2, residues 1661-1681): TIESPPNELA[Ala1671Pro]GEGVRGGAQS

ClinVar aggregate classification (germline): Uncertain significance (1 of 4 stars; one submission).

Conditions:
Hereditary cancer-predisposing syndrome. Also called: Neoplastic Syndromes, Hereditary; Tumor predisposition; Hereditary Cancer Syndrome; Hereditary neoplastic syndrome. Identifiers: Orphanet 140162, MedGen C0027672, MeSH D009386, MONDO:0015356.

Submission:

Ambry Genetics
Classification: Uncertain significance for Hereditary cancer-predisposing syndrome. Last evaluated: 2013-09-27. Review status: criteria provided, single submitter. Criteria: Ambry Autosomal Dominant and X-Linked criteria (10/2015). Collection method: clinical testing. Allele origin: germline. Observed: 1 variant allele.
Comment: The p.A1671P variant (also known as c.5011G>C) is located in coding exon 15 of the APC gene. This alteration results from a G to C substitution at nucleotide position 5011. The alanine at codon 1671 is replaced by proline, an amino acid with highly similar properties. This variant was not reported in population-based cohorts in the following databases: Database of Single Nucleotide Polymorphisms (dbSNP), NHLBI Exome Sequencing Project (ESP) and 1000 Genomes Project. To date, this alteration has been detected with an allele frequency of approximately 0.02% (greater than 6000 alleles tested) in our clinical cohort (includes this individual). Based on protein sequence alignment, this amino acid position is not well conserved in available vertebrate species. In addition, this alteration is predicted to be tolerated by in silico analysis. Since supporting evidence is limited at this time, the clinical significance of p.A1671P remains unclear.